The following is an entry in ClinVar:

ClinVar aggregate classification (germline): Pathogenic (1 of 4 stars; one submission).

Conditions:
X-linked severe combined immunodeficiency (SCIDX1). Also called: IMMUNODEFICIENCY 4; SCID, X-LINKED; SEVERE COMBINED IMMUNODEFICIENCY, X-LINKED, T CELL-NEGATIVE, B CELL-POSITIVE, NK CELL-NEGATIVE; X-Linked Combined Immunodeficiency Diseases; T-B+ severe combined immunodeficiency due to gamma chain deficiency. Identifiers: Orphanet 276, MedGen C6022468, MONDO:0010315, OMIM 300400. Disease mechanism: loss of function.

Submission:

Labcorp Genetics (formerly Invitae), Labcorp
Classification: Pathogenic for X-linked severe combined immunodeficiency. Last evaluated: 2024-09-14. Review status: criteria provided, single submitter. Criteria: Invitae Variant Classification Sherloc (09022015). Collection method: clinical testing. Allele origin: germline.
Comment: This sequence change creates a premature translational stop signal (p.Leu132Serfs*15) in the IL2RG gene. It is expected to result in an absent or disrupted protein product. Loss-of-function variants in IL2RG are known to be pathogenic (PMID: 9058718, 10794430). This variant is not present in population databases (gnomAD no frequency). This variant has not been reported in the literature in individuals affected with IL2RG-related conditions. For these reasons, this variant has been classified as Pathogenic.

Literature cited by the submitters: PubMed 9058718; PubMed 10794430.

NM_000206.3(IL2RG):c.394del (p.Leu132fs)

Gene: IL2RG (interleukin 2 receptor subunit gamma; minus strand). Cytogenetic location: Xq13.1.
Variant type: Deletion.
Coding change: c.394del on transcript NM_000206.3 (MANE Select); coding-DNA position 394, one base deleted (C; older notation c.394delC).
Protein change: p.Leu132fs; shifts the reading frame from leucine 132.
Molecular consequence: frameshift variant.
Genome position (GRCh38, 1-based): chrX:71,110,564, G deleted on the plus strand (C on the coding strand, the reverse complement: IL2RG is on the minus strand). VCF-style (leftmost placement, unchanged base first): chrX-71110563-AG-A. GRCh37 (hg19) VCF-style: chrX-70330413-AG-A.
Other names: short protein forms L132fs.
Identifiers: ClinVar variation 3717164 (VCV003717164.2).
Genomic context (GRCh38, chrX:71,110,563, plus strand): 5'-CCCAGATTCTGCAGTTTTAGCATCTGTGTGGCCTGTCTCCTGGGTTCCCGTGGGTCCTGG[AG>A]CTGAACAACAAATGTTTGGTAGAGGTGGATCTCCTTTTTTTGCAACTGACAGCCAGAAGT-3'